The following is an entry in ClinVar:

ClinVar aggregate classification (germline): Uncertain significance. Review status: criteria provided, multiple submitters, no conflicts (2 of 4 stars). 2 submissions from 2 submitters: Uncertain significance (2). Last evaluated 2026-07-02.

Conditions:
Hereditary cancer-predisposing syndrome. Also called: Tumor predisposition; Hereditary Cancer Syndrome; Hereditary neoplastic syndrome; Neoplastic Syndromes, Hereditary. Identifiers: Orphanet 140162, MedGen C0027672, MeSH D009386, MONDO:0015356.

Allele frequency attached by ClinVar (database versions not stated): gnomAD exomes below 0.00001.
gnomAD v4.1: 1 of 1,613,906 alleles (0.000062%); highest among the groups gnomAD compares: Non-Finnish European, 0.000085%; no homozygotes.

Submissions (2):

Ambry Genetics
Classification: Uncertain significance for Hereditary cancer-predisposing syndrome. Last evaluated: 2026-07-02. Review status: criteria provided, single submitter. Criteria: Ambry Variant Classification Scheme 2023. Collection method: clinical testing. Allele origin: germline.
Comment: The p.A1086V variant (also known as c.3257C>T), located in coding exon 23 of the MSH3 gene, results from a C to T substitution at nucleotide position 3257. The alanine at codon 1086 is replaced by valine, an amino acid with similar properties. This amino acid position is conserved. In addition, this alteration is predicted to be deleterious by in silico analysis. Based on the available evidence, the clinical significance of this variant remains unclear.

Labcorp Genetics (formerly Invitae), Labcorp
Classification: Uncertain significance. Last evaluated: 2023-12-28. Review status: criteria provided, single submitter. Criteria: Invitae Variant Classification Sherloc (09022015). Collection method: clinical testing. Allele origin: germline.
Comment: This sequence change replaces alanine, which is neutral and non-polar, with valine, which is neutral and non-polar, at codon 1086 of the MSH3 protein (p.Ala1086Val). This variant is not present in population databases (gnomAD no frequency). This variant has not been reported in the literature in individuals affected with MSH3-related conditions. ClinVar contains an entry for this variant (Variation ID: 2172240). An algorithm developed to predict the effect of missense changes on protein structure and function (PolyPhen-2) suggests that this variant is likely to be disruptive. In summary, the available evidence is currently insufficient to determine the role of this variant in disease. Therefore, it has been classified as a Variant of Uncertain Significance.

NM_002439.5(MSH3):c.3257C>T (p.Ala1086Val)

Gene: MSH3 (mutS homolog 3; plus strand). Cytogenetic location: 5q14.1.
Variant type: single nucleotide variant.
Coding change: c.3257C>T on transcript NM_002439.5 (MANE Select); coding-DNA position 3257, C replaced by T.
Protein change: p.Ala1086Val; replaces alanine 1086 with valine.
Molecular consequence: missense variant.
Genome position (GRCh38, 1-based): chr5:80,873,242, C>T. VCF-style: chr5-80873242-C-T. GRCh37 (hg19) VCF-style: chr5-80169061-C-T.
Other names: c.3257C>T (NM_002439.3); short protein forms A1086V.
Identifiers: ClinVar variation 2172240 (VCV002172240.5), dbSNP rs1474200311, ClinGen allele CA360347045.